The following is an entry in ClinVar:

ClinVar aggregate classification (germline): Conflicting classifications of pathogenicity. Review status: criteria provided, conflicting classifications (1 of 4 stars). 6 submissions from 5 submitters: Uncertain significance (2); Benign (1); Likely benign (3). Last evaluated 2026-04-06.

Conditions:
Inborn genetic diseases. Identifiers: MedGen C0950123, MeSH D030342.
Blau syndrome (BLAUS). Also called: ARTHROCUTANEOUVEAL GRANULOMATOSIS; GRANULOMATOSIS, FAMILIAL JUVENILE SYSTEMIC; GRANULOMATOSIS, FAMILIAL, BLAU TYPE; GRANULOMATOUS INFLAMMATORY ARTHRITIS, DERMATITIS, AND UVEITIS, FAMILIAL; JABS SYNDROME. Identifiers: Orphanet 90340, MedGen C5201146, MONDO:0008523, OMIM 186580.
Regional enteritis. Also called: Enteritis, Granulomatous. Identifiers: MedGen C0678202, MeSH D003424.
Inflammatory bowel disease 1 (IBD1). Also called: Inflammatory bowel disease 1, Crohn disease; INFLAMMATORY BOWEL DISEASE (CROHN DISEASE) 1. Identifiers: MedGen CN260071, MONDO:0009960, OMIM 266600.

Allele frequency attached by ClinVar (database versions not stated): ExAC 0.00008; gnomAD exomes 0.00015; gnomAD 0.00026 and 0.00027; TOPMed 0.00040.
gnomAD v4.1: 95 of 1,613,924 alleles (0.0059%); highest among the groups gnomAD compares: Admixed American, 0.15%; 1 homozygote.

Submissions (6):

Women's Health and Genetics/Laboratory Corporation of America, LabCorp
Classification: Likely benign. Last evaluated: 2026-04-06. Review status: criteria provided, single submitter. Criteria: LabCorp Variant Classification Summary - May 2015. Collection method: clinical testing. Allele origin: germline.

Labcorp Genetics (formerly Invitae), Labcorp
Classification: Likely benign for Regional enteritis; Blau syndrome. Last evaluated: 2026-02-02. Review status: criteria provided, single submitter. Criteria: Invitae Variant Classification Sherloc (09022015). Collection method: clinical testing. Allele origin: germline.

ARUP Laboratories, Molecular Genetics and Genomics, ARUP Laboratories
Classification: Likely benign. Last evaluated: 2022-04-22. Review status: criteria provided, single submitter. Criteria: ARUP Molecular Germline Variant Investigation Process 2021. Collection method: clinical testing. Allele origin: germline.

Ambry Genetics
Classification: Uncertain significance for Inborn genetic diseases. Last evaluated: 2021-08-16. Review status: criteria provided, single submitter. Criteria: Ambry Variant Classification Scheme 2023. Collection method: clinical testing. Allele origin: germline.

Illumina Laboratory Services, Illumina
Classification: Uncertain significance for Inflammatory bowel disease 1. Last evaluated: 2018-01-13. Review status: criteria provided, single submitter. Criteria: ICSL Variant Classification Criteria 13 December 2019. Collection method: clinical testing. Allele origin: germline.

Illumina Laboratory Services, Illumina
Classification: Benign for Blau syndrome. Last evaluated: 2018-01-13. Review status: criteria provided, single submitter. Criteria: ICSL Variant Classification Criteria 13 December 2019. Collection method: clinical testing. Allele origin: germline.
Comment: This variant was observed in the ICSL laboratory as part of a predisposition screen in an ostensibly healthy population. It had not been previously curated by ICSL or reported in the Human Gene Mutation Database (HGMD: prior to June 1st, 2018), and was therefore a candidate for classification through an automated scoring system. Utilizing variant allele frequency, disease prevalence and penetrance estimates, and inheritance mode, an automated score was calculated to assess if this variant is too frequent to cause the disease. Based on the score and internal cut-off values, a variant classified as benign is not then subjected to further curation. The score for this variant resulted in a classification of benign for this disease.

NM_001370466.1(NOD2):c.760C>T (p.Leu254Phe)

Gene: NOD2 (nucleotide binding oligomerization domain containing 2; plus strand). Cytogenetic location: 16q12.1.
Variant type: single nucleotide variant.
Coding change: c.760C>T on transcript NM_001370466.1 (MANE Select); coding-DNA position 760, C replaced by T.
Protein change: p.Leu254Phe; replaces leucine 254 with phenylalanine.
Molecular consequence: missense variant. On other transcripts: non-coding transcript variant (1).
Genome position (GRCh38, 1-based): chr16:50,710,752, C>T. VCF-style: chr16-50710752-C-T. GRCh37 (hg19) VCF-style: chr16-50744663-C-T.
Other names: c.841C>T (LRG_177t1); c.760C>T, p.Leu254Phe (NM_001293557.2); c.841C>T, p.Leu281Phe (NM_022162.3); short protein forms L281F, L254F.
Identifiers: ClinVar variation 319438 (VCV000319438.21), dbSNP rs756943416, ClinGen allele CA8051409.